The following is an entry in ClinVar:

ClinVar aggregate classification (germline): Uncertain significance (1 of 4 stars; one submission).

Submission:

GeneDx
Classification: Uncertain significance. Last evaluated: 2023-09-27. Review status: criteria provided, single submitter. Criteria: GeneDx Variant Classification Process June 2021. Collection method: clinical testing. Allele origin: germline. Affected: yes.
Comment: Not observed at significant frequency in large population cohorts (gnomAD); In silico analysis supports that this missense variant has a deleterious effect on protein structure/function; Has not been previously published as pathogenic or benign to our knowledge

NM_001385012.1(NBEA):c.7534G>T (p.Val2512Phe)

Gene: NBEA (neurobeachin; plus strand). Cytogenetic location: 13q13.3.
Variant type: single nucleotide variant.
Coding change: c.7534G>T on transcript NM_001385012.1 (MANE Select); coding-DNA position 7534, G replaced by T.
Protein change: p.Val2512Phe; replaces valine 2512 with phenylalanine.
Molecular consequence: missense variant.
Genome position (GRCh38, 1-based): chr13:35,628,165, G>T. VCF-style: chr13-35628165-G-T. GRCh37 (hg19) VCF-style: chr13-36202302-G-T.
Other names: c.913G>T, p.Val305Phe (NM_001204197.3); c.7525G>T, p.Val2509Phe (NM_001379245.1); c.7534G>T, p.Val2512Phe (NM_015678.5); short protein forms V2509F, V2512F, V305F.
Identifiers: ClinVar variation 2581764 (VCV002581764.1), dbSNP rs2549940502, ClinGen allele CA387987872.